The following is an entry in ClinVar:

ClinVar aggregate classification (germline): Uncertain significance (1 of 4 stars; one submission).

Conditions:
Neurofibromatosis, type 1 (NF1). Also called: Peripheral type neurofibromatosis; Neurofibromatosis, type I; VON RECKLINGHAUSEN DISEASE; NEUROFIBROMATOSIS, TYPE I, SOMATIC. Identifiers: Orphanet 636, MedGen C0027831, MONDO:0018975, OMIM 162200. Disease mechanism: loss of function.

Submission:

Labcorp Genetics (formerly Invitae), Labcorp
Classification: Uncertain significance for Neurofibromatosis, type 1. Last evaluated: 2021-12-27. Review status: criteria provided, single submitter. Criteria: Invitae Variant Classification Sherloc (09022015). Collection method: clinical testing. Allele origin: germline.
Comment: This variant is not present in population databases (gnomAD no frequency). In summary, the available evidence is currently insufficient to determine the role of this variant in disease. Therefore, it has been classified as a Variant of Uncertain Significance. Advanced modeling of protein sequence and biophysical properties (such as structural, functional, and spatial information, amino acid conservation, physicochemical variation, residue mobility, and thermodynamic stability) performed at Invitae indicates that this missense variant is not expected to disrupt NF1 protein function. ClinVar contains an entry for this variant (Variation ID: 578980). This variant has not been reported in the literature in individuals affected with NF1-related conditions. This sequence change replaces cysteine, which is neutral and slightly polar, with phenylalanine, which is neutral and non-polar, at codon 1690 of the NF1 protein (p.Cys1690Phe).

NM_001042492.3(NF1):c.5132G>T (p.Cys1711Phe)

Gene: NF1 (neurofibromin 1; plus strand). Cytogenetic location: 17q11.2.
Variant type: single nucleotide variant.
Coding change: c.5132G>T on transcript NM_001042492.3 (MANE Select); coding-DNA position 5132, G replaced by T.
Protein change: p.Cys1711Phe; replaces cysteine 1711 with phenylalanine.
Molecular consequence: missense variant.
Genome position (GRCh38, 1-based): chr17:31,326,116, G>T. VCF-style: chr17-31326116-G-T. GRCh37 (hg19) VCF-style: chr17-29653134-G-T.
Other names: c.5069G>T, p.Cys1690Phe (NM_000267.4); short protein forms C1690F, C1711F.
Identifiers: ClinVar variation 578980 (VCV000578980.5), dbSNP rs1567611549, ClinGen allele CA399007761.
Genomic context (GRCh38, chr17:31,326,116, plus strand): 5'-AGTATCATGAGCGGCTGCTGACTGGCCTCAAAGGTAGCAAAAGGCTTGTTTTCATAGACT[G>T]TCCTGGGAAACTGGCTGAGCACATAGAGCATGAACAACAGAAACTACCTGCTGCCACCTT-3'
Protein context (NP_001035957.1, residues 1701-1721): KGSKRLVFID[Cys1711Phe]PGKLAEHIEH